The following is an entry in ClinVar:

NM_007294.4(BRCA1):c.3936C>T (p.Thr1312=)

Genes: BRCA1 (BRCA1 DNA repair associated; minus strand), LOC126862571 (BRD4-independent group 4 enhancer GRCh37_chr17:41243136-41244335; plus strand). Cytogenetic location: 17q21.31.
Variant type: single nucleotide variant.
Coding change: c.3936C>T on transcript NM_007294.4 (MANE Select); coding-DNA position 3936, C replaced by T.
Protein change: p.Thr1312=; no amino-acid change (threonine 1312 retained).
Molecular consequence: synonymous variant. On other transcripts: intron variant (135).
Genome position (GRCh38, 1-based): chr17:43,091,595, G>A on the plus strand (C>T on the coding strand, the complement: BRCA1 is on the minus strand). VCF-style: chr17-43091595-G-A. GRCh37 (hg19) VCF-style: chr17-41243612-G-A.
Other names: c.521-563C>T (NM_001408503.1, NM_001408505.1, NM_001408504.1); c.524-563C>T (NM_001408500.1, NM_001408497.1, NM_001408496.1 and 3 more transcripts); c.3723C>T, p.Thr1241= (NM_001407571.1, NM_001407853.1, NM_001407894.1 and 9 more transcripts); c.647-563C>T (NM_001408466.1, NM_001408452.1, NM_001408457.1 and 11 more transcripts); c.3936C>T, p.Thr1312= (NM_001407581.1, NM_001407582.1, NM_001407583.1 and 30 more transcripts); c.788-563C>T (NM_001407973.1, NM_001408403.1, NM_001407983.1 and 17 more transcripts); c.404-563C>T (NM_001408511.1); c.3933C>T, p.Thr1311= (NM_001407587.1, NM_001407590.1, NM_001407591.1 and 22 more transcripts); and 41 more.
Identifiers: ClinVar variation 427364 (VCV000427364.6), dbSNP rs753210219, ClinGen allele CA059110.
Genomic context (GRCh38, chr17:43,091,595, plus strand): 5'-TCCCTGGCTTTCAGACTGATGCCTCATTTGTTTGGAAGAACCAATCAAGAAAGGATCCTG[G>A]GTGTTTGTATTTGCAGTCAAGTCTTCCAATTCACTGCACTGTGAAGAAAACAAGCTAGCA-3'
Protein context (NP_009225.1, residues 1302-1322): ELEDLTANTN[Thr1312=]QDPFLIGSSK

ClinVar aggregate classification (germline): Likely benign. Review status: reviewed by expert panel (3 of 4 stars). 2 submissions from 2 submitters: Likely benign (1). 1 of the submissions does not count toward it. Last evaluated 2017-06-29.

Conditions:
Hereditary cancer-predisposing syndrome. Also called: Neoplastic Syndromes, Hereditary; Hereditary neoplastic syndrome; Tumor predisposition; Hereditary Cancer Syndrome. Identifiers: Orphanet 140162, MedGen C0027672, MeSH D009386, MONDO:0015356.
Breast-ovarian cancer, familial, susceptibility to, 1 (BROVCA1). Also called: BRCA1 Hereditary Breast and Ovarian Cancer; OVARIAN CANCER, SUSCEPTIBILITY TO. Identifiers: Orphanet 145, MedGen C2676676, MONDO:0011450, OMIM 604370. Disease mechanism: loss of function.

Allele frequency attached by ClinVar (database versions not stated): gnomAD exomes below 0.00001; ExAC 0.00001.
gnomAD v4.1: 1 of 1,614,120 alleles (0.000062%); highest among the groups gnomAD compares: South Asian, 0.0011%; no homozygotes.

Submissions (2):

Evidence-based Network for the Interpretation of Germline Mutant Alleles (ENIGMA)
Classification: Likely benign for Breast-ovarian cancer, familial, susceptibility to, 1. Last evaluated: 2017-06-29. Review status: reviewed by expert panel. Criteria: ENIGMA BRCA1/2 Classification Criteria (2017-06-29). Collection method: curation. Allele origin: germline.
Comment: Synonymous substitution variant, with low bioinformatic likelihood to result in a splicing aberration (Splicing prior probability 0.02).

Color Diagnostics, LLC DBA Color Health
Classification: Likely benign for Hereditary cancer-predisposing syndrome. Last evaluated: 2018-06-05. Review status: criteria provided, single submitter. Criteria: ACMG Guidelines, 2015. Collection method: clinical testing. Allele origin: germline. Not counted in ClinVar's aggregate classification.